The following is an entry in ClinVar:

ClinVar aggregate classification (germline): Likely benign (0 of 4 stars; one submission).

Conditions:
MYO16-related disorder. Also called: MYO16-related condition.

Allele frequency attached by ClinVar (database versions not stated): gnomAD exomes 0.00004; ExAC 0.00020; gnomAD 0.00053; TOPMed 0.00059; 1000 Genomes Project 30x 0.00078; ESP Exome Variant Server 0.00092; 1000 Genomes Project 0.00100.
gnomAD v4.1: 149 of 1,590,206 alleles (0.0094%); highest among the groups gnomAD compares: African/African-American, 0.17%; no homozygotes.

Submission:

PreventionGenetics, part of Exact Sciences
Classification: Likely benign for MYO16-related condition. Last evaluated: 2020-01-13. Review status: no assertion criteria provided. Collection method: clinical testing. Allele origin: germline.
Comment: This variant is classified as likely benign based on ACMG/AMP sequence variant interpretation guidelines (Richards et al. 2015 PMID: 25741868, with internal and published modifications).

NM_001198950.3(MYO16):c.1659+3A>G

Gene: MYO16 (myosin XVI; plus strand). Cytogenetic location: 13q33.3.
Variant type: single nucleotide variant.
Coding change: c.1659+3A>G on transcript NM_001198950.3 (MANE Select); 3 bases into the intron after coding-DNA position 1659, A replaced by G.
Molecular consequence: intron variant.
Genome position (GRCh38, 1-based): chr13:108,888,480, A>G. VCF-style: chr13-108888480-A-G. GRCh37 (hg19) VCF-style: chr13-109540828-A-G.
Other names: c.1593+3A>G (NM_015011.3).
Identifiers: ClinVar variation 3051523 (VCV003051523.2), dbSNP rs140379648, ClinGen allele CA7044821.
Genomic context (GRCh38, chr13:108,888,480, plus strand): 5'-ACACCTCACCTGCAGGGCTGGCGCCAGCAGGGCCACACTGGATTCCAGATTCAAACATGT[A>G]AGTTTTTTGTTTGGGTTGGCAAATATGTGAATGAAGATGTTCAGCCAGTTGTCATTTACA-3'